The following is an entry in ClinVar:

ClinVar aggregate classification (germline): Pathogenic/Likely pathogenic. Review status: criteria provided, multiple submitters, no conflicts (2 of 4 stars). 3 submissions from 3 submitters: Pathogenic (1); Likely pathogenic (1). 1 of the submissions does not count toward it. Last evaluated 2023-04-01.

Conditions:
Multiple acyl-CoA dehydrogenase deficiency (MADD). Also called: Glutaric Acidemia type 2; Glutaric aciduria, type 2; Glutaric acidemia type II; GA 2; ETHYLMALONIC-ADIPICACIDURIA; GA II. Identifiers: Orphanet 26791, MedGen C0268596, MONDO:0009282, OMIM 231680.

Submissions (3):

Labcorp Genetics (formerly Invitae), Labcorp
Classification: Pathogenic for Multiple acyl-CoA dehydrogenase deficiency. Last evaluated: 2023-04-01. Review status: criteria provided, single submitter. Criteria: Invitae Variant Classification Sherloc (09022015). Collection method: clinical testing. Allele origin: germline.
Comment: Algorithms developed to predict the effect of sequence changes on RNA splicing suggest that this variant may disrupt the consensus splice site. For these reasons, this variant has been classified as Pathogenic. This premature translational stop signal has been observed in individual(s) with multiple acyl-CoA dehydrogenase deficiency (PMID: 34819910). This variant is not present in population databases (gnomAD no frequency). This sequence change creates a premature translational stop signal (p.Pro196Thrfs*17) in the ETFDH gene. It is expected to result in an absent or disrupted protein product. Loss-of-function variants in ETFDH are known to be pathogenic (PMID: 16510302, 23785301).

Baylor Genetics
Classification: Likely pathogenic for Multiple acyl-CoA dehydrogenase deficiency. Last evaluated: 2022-05-16. Review status: criteria provided, single submitter. Criteria: ACMG Guidelines, 2015. Collection method: clinical testing. Allele origin: unknown.

Department of Neurology, Second Xiangya Hospital of Central South University
Classification: Pathogenic for Multiple acyl-CoA dehydrogenase deficiency. Last evaluated: 2021-09-23. Review status: no assertion criteria provided. Collection method: clinical testing. Allele origin: germline. Inheritance: Autosomal recessive inheritance. Affected: yes. Observed: 1 compound heterozygote. Not counted in ClinVar's aggregate classification.

Literature cited by the submitters: PubMed 34819910 (cited by Labcorp Genetics (formerly Invitae), Labcorp); PubMed 16510302 (cited by Labcorp Genetics (formerly Invitae), Labcorp); PubMed 23785301 (cited by Labcorp Genetics (formerly Invitae), Labcorp).

NM_004453.4(ETFDH):c.583_584dup (p.Pro196fs)

Gene: ETFDH (electron transfer flavoprotein dehydrogenase; plus strand). Cytogenetic location: 4q32.1.
Variant type: Microsatellite.
Coding change: c.583_584dup on transcript NM_004453.4 (MANE Select); coding-DNA positions 583 to 584, 2 bases duplicated (TA; older notation c.583_584dupTA).
Protein change: p.Pro196fs; shifts the reading frame from proline 196.
Molecular consequence: frameshift variant.
Genome position (GRCh38, 1-based): chr4:158,685,196-158,685,197, TA duplicated; duplicating any 2 consecutive bases within chr4:158,685,194-158,685,197 gives the same sequence; the c. name uses the placement nearest the transcript's 3' end. VCF-style (leftmost placement, unchanged base first): chr4-158685193-G-GTA. GRCh37 (hg19) VCF-style: chr4-159606345-G-GTA.
Other names: p.P196Tfs*17; c.442_443dup, p.Pro149fs (NM_001281737.2); c.400_401dup, p.Pro135fs (NM_001281738.1); c.582_583insTA (NM_004453.4); short protein forms P135fs, P149fs, P196fs.
Identifiers: ClinVar variation 1284260 (VCV001284260.7), dbSNP rs2150306625, ClinGen allele CA2580613484.